The following is an entry in ClinVar:

NM_002292.4(LAMB2):c.4753C>T (p.Gln1585Ter)

Gene: LAMB2 (laminin subunit beta 2; minus strand). Cytogenetic location: 3p21.31.
Variant type: single nucleotide variant.
Coding change: c.4753C>T on transcript NM_002292.4 (MANE Select); coding-DNA position 4753, C replaced by T.
Protein change: p.Gln1585Ter; replaces glutamine 1585 with a stop codon.
Molecular consequence: nonsense.
Genome position (GRCh38, 1-based): chr3:49,122,191, G>A on the plus strand (C>T on the coding strand, the complement: LAMB2 is on the minus strand). VCF-style: chr3-49122191-G-A. GRCh37 (hg19) VCF-style: chr3-49159624-G-A.
Other names: short protein forms Q1585*.
Identifiers: ClinVar variation 5038345 (VCV005038345.1).
Genomic context (GRCh38, chr3:49,122,191, plus strand): 5'-GTCAGGGATAGGGGCCAGGGATGGGGTCAGACCTTGCCCGCCGTGCATCCTGCAGTAGCT[G>A]CTCGGCACGACGCACATCTCCTACAGTACGTGCCAGGATCGCATCCACATCTGCCAGGCT-3'

ClinVar aggregate classification (germline): Pathogenic (1 of 4 stars; one submission).

Conditions:
Fetal anomalies with a likely genetic cause.

gnomAD v4.1: 1 of 1,613,510 alleles (0.000062%); highest among the groups gnomAD compares: Non-Finnish European, 0.000085%; no homozygotes.

Submission:

Genetics Laboratory, Great Ormond Street Hospital NHS Foundation Trust, North Thames Genomic Laboratory Hub
Classification: Pathogenic for Fetal anomalies with a likely genetic cause. Last evaluated: 2026-09-03. Review status: criteria provided, single submitter. Criteria: ACGS Best Practice Guidelines for Variant Classification in Rare Disease 2024 v1.2. Collection method: clinical testing. Allele origin: germline. Affected: yes.
Comment: PM2_moderate, PVS1_very-strong